The following is an entry in ClinVar:

NM_212482.4(FN1):c.4167C>G (p.Phe1389Leu)

Genes: FN1 (fibronectin 1; minus strand), LOC126806497 (BRD4-independent group 4 enhancer GRCh37_chr2:216255920-216257119; plus strand). Cytogenetic location: 2q35.
Variant type: single nucleotide variant.
Coding change: c.4167C>G on transcript NM_212482.4 (MANE Select); coding-DNA position 4167, C replaced by G.
Protein change: p.Phe1389Leu; replaces phenylalanine 1389 with leucine.
Molecular consequence: missense variant.
Genome position (GRCh38, 1-based): chr2:215,391,717, G>C on the plus strand (C>G on the coding strand, the complement: FN1 is on the minus strand). VCF-style: chr2-215391717-G-C. GRCh37 (hg19) VCF-style: chr2-216256440-G-C.
Other names: c.4167C>G, p.Phe1389Leu (NM_001306129.2, NM_001306130.2, NM_001365517.2 and 3 more transcripts); c.3894C>G, p.Phe1298Leu (NM_001306131.2, NM_001306132.2, NM_001365518.2 and 7 more transcripts); short protein forms F1298L, F1389L.
Identifiers: ClinVar variation 1357802 (VCV001357802.6), dbSNP rs775357439, ClinGen allele CA2094503.

ClinVar aggregate classification (germline): Uncertain significance (1 of 4 stars; one submission).

Allele frequency attached by ClinVar (database versions not stated): gnomAD exomes below 0.00001 and 0.00001; TOPMed below 0.00001; ExAC 0.00001; gnomAD 0.00001.
gnomAD v4.1: 7 of 1,614,016 alleles (0.00043%); highest among the groups gnomAD compares: Non-Finnish European, 0.00059%; no homozygotes.

Submission:

Labcorp Genetics (formerly Invitae), Labcorp
Classification: Uncertain significance. Last evaluated: 2024-07-01. Review status: criteria provided, single submitter. Criteria: Invitae Variant Classification Sherloc (09022015). Collection method: clinical testing. Allele origin: germline.
Comment: This sequence change replaces phenylalanine with leucine at codon 1389 of the FN1 protein (p.Phe1389Leu). The phenylalanine residue is moderately conserved and there is a small physicochemical difference between phenylalanine and leucine. This variant is not present in population databases (gnomAD no frequency). This variant has not been reported in the literature in individuals affected with FN1-related conditions. ClinVar contains an entry for this variant (Variation ID: 1357802). Algorithms developed to predict the effect of missense changes on protein structure and function output the following: SIFT: "Not Available"; PolyPhen-2: "Benign"; Align-GVGD: "Not Available". The leucine amino acid residue is found in multiple mammalian species, which suggests that this missense change does not adversely affect protein function. In summary, the available evidence is currently insufficient to determine the role of this variant in disease. Therefore, it has been classified as a Variant of Uncertain Significance.